The following is an entry in ClinVar:

ClinVar aggregate classification (germline): Benign. Review status: criteria provided, multiple submitters, no conflicts (2 of 4 stars). 3 submissions from 3 submitters: Benign (3). Last evaluated 2018-11-12.

Conditions:
Diaphyseal medullary stenosis-bone malignancy syndrome. Also called: MYOPATHY, LIMB-GIRDLE, WITH BONE FRAGILITY; BONE DYSPLASIA WITH MALIGNANT FIBROUS HISTIOCYTOMA; BONE DYSPLASIA WITH MEDULLARY FIBROSARCOMA. Identifiers: Orphanet 85182, MedGen C1862177, MONDO:0007205, OMIM 112250.

Allele frequency attached by ClinVar (database versions not stated): gnomAD exomes 0.27676; gnomAD 0.39404 and 0.39447; TOPMed 0.41090; 1000 Genomes Project 0.46985.
gnomAD v4.1: 228,200 of 756,050 alleles (30%); highest among the groups gnomAD compares: Admixed American, 53%; 39,575 homozygotes.

Submissions (3):

GeneDx
Classification: Benign. Last evaluated: 2018-11-12. Review status: criteria provided, single submitter. Criteria: GeneDx Variant Classification Process June 2021. Collection method: clinical testing. Allele origin: germline. Affected: yes.

Illumina Laboratory Services, Illumina
Classification: Benign for Diaphyseal medullary stenosis-bone malignancy syndrome. Last evaluated: 2018-01-12. Review status: criteria provided, single submitter. Criteria: ICSL Variant Classification Criteria 13 December 2019. Collection method: clinical testing. Allele origin: germline.
Comment: This variant was observed in the ICSL laboratory as part of a predisposition screen in an ostensibly healthy population. It had not been previously curated by ICSL or reported in the Human Gene Mutation Database (HGMD: prior to June 1st, 2018), and was therefore a candidate for classification through an automated scoring system. Utilizing variant allele frequency, disease prevalence and penetrance estimates, and inheritance mode, an automated score was calculated to assess if this variant is too frequent to cause the disease. Based on the score and internal cut-off values, a variant classified as benign is not then subjected to further curation. The score for this variant resulted in a classification of benign for this disease.

Breakthrough Genomics
Classification: Benign. Review status: criteria provided, single submitter. Criteria: ACMG Guidelines, 2015. Collection method: not provided. Allele origin: germline. Inheritance: Autosomal dominant inheritance. Affected: yes.

NM_002451.4(MTAP):c.*258A>C

Gene: MTAP (methylthioadenosine phosphorylase; plus strand). Cytogenetic location: 9p21.3.
Variant type: single nucleotide variant.
Coding change: c.*258A>C on transcript NM_002451.4 (MANE Select); 258 bases downstream of the stop codon, A replaced by C.
Molecular consequence: 3 prime UTR variant.
Genome position (GRCh38, 1-based): chr9:21,862,272, A>C. VCF-style: chr9-21862272-A-C. GRCh37 (hg19) VCF-style: chr9-21862271-A-C.
Identifiers: ClinVar variation 366256 (VCV000366256.9), dbSNP rs15735, ClinGen allele CA10633234.